The following is an entry in ClinVar:

ClinVar aggregate classification (germline): Uncertain significance (1 of 4 stars; one submission).

Conditions:
Autosomal dominant childhood-onset proximal spinal muscular atrophy with contractures (SMALED2A). Also called: SPINAL MUSCULAR ATROPHY, LOWER EXTREMITY-PREDOMINANT, 2A, CHILDHOOD ONSET, AUTOSOMAL DOMINANT; Spinal muscular atrophy, lower extremity-predominant, 2A, autosomal dominant. Identifiers: Orphanet 363447, Orphanet 363454, MedGen C4747715, MONDO:0014121, OMIM 615290.

Allele frequency attached by ClinVar (database versions not stated): gnomAD 0.00001.
gnomAD v4.1: 1 of 1,603,138 alleles (0.000062%); highest among the groups gnomAD compares: Non-Finnish European, 0.000085%; no homozygotes.

Submission:

Labcorp Genetics (formerly Invitae), Labcorp
Classification: Uncertain significance for Autosomal dominant childhood-onset proximal spinal muscular atrophy with contractures. Last evaluated: 2023-12-27. Review status: criteria provided, single submitter. Criteria: Invitae Variant Classification Sherloc (09022015). Collection method: clinical testing. Allele origin: germline.
Comment: This sequence change replaces proline, which is neutral and non-polar, with serine, which is neutral and polar, at codon 593 of the BICD2 protein (p.Pro593Ser). This variant is not present in population databases (gnomAD no frequency). This variant has not been reported in the literature in individuals affected with BICD2-related conditions. ClinVar contains an entry for this variant (Variation ID: 572433). Advanced modeling of protein sequence and biophysical properties (such as structural, functional, and spatial information, amino acid conservation, physicochemical variation, residue mobility, and thermodynamic stability) performed at Invitae indicates that this missense variant is not expected to disrupt BICD2 protein function with a negative predictive value of 80%. In summary, the available evidence is currently insufficient to determine the role of this variant in disease. Therefore, it has been classified as a Variant of Uncertain Significance.

NM_001003800.2(BICD2):c.1777C>T (p.Pro593Ser)

Gene: BICD2 (BICD cargo adaptor 2; minus strand). Cytogenetic location: 9q22.31.
Variant type: single nucleotide variant.
Coding change: c.1777C>T on transcript NM_001003800.2 (MANE Select); coding-DNA position 1777, C replaced by T.
Protein change: p.Pro593Ser; replaces proline 593 with serine.
Molecular consequence: missense variant.
Genome position (GRCh38, 1-based): chr9:92,718,868, G>A on the plus strand (C>T on the coding strand, the complement: BICD2 is on the minus strand). VCF-style: chr9-92718868-G-A. GRCh37 (hg19) VCF-style: chr9-95481150-G-A.
Other names: c.1777C>T, p.Pro593Ser (NM_015250.4); short protein forms P593S.
Identifiers: ClinVar variation 572433 (VCV000572433.11), dbSNP rs1375372433, ClinGen allele CA374035884.